The following is an entry in ClinVar:

ClinVar aggregate classification (germline): Uncertain significance (1 of 4 stars; one submission).

Allele frequency attached by ClinVar (database versions not stated): gnomAD exomes below 0.00001; TOPMed below 0.00001.
gnomAD v4.1: 1 of 1,601,900 alleles (0.000062%); highest among the groups gnomAD compares: Non-Finnish European, 0.000085%; no homozygotes.

Submission:

Labcorp Genetics (formerly Invitae), Labcorp
Classification: Uncertain significance. Last evaluated: 2023-12-09. Review status: criteria provided, single submitter. Criteria: Invitae Variant Classification Sherloc (09022015). Collection method: clinical testing. Allele origin: germline.
Comment: This sequence change replaces proline, which is neutral and non-polar, with leucine, which is neutral and non-polar, at codon 775 of the ROBO1 protein (p.Pro775Leu). This variant is not present in population databases (gnomAD no frequency). This variant has not been reported in the literature in individuals affected with ROBO1-related conditions. Advanced modeling of protein sequence and biophysical properties (such as structural, functional, and spatial information, amino acid conservation, physicochemical variation, residue mobility, and thermodynamic stability) performed at Invitae indicates that this missense variant is expected to disrupt ROBO1 protein function with a positive predictive value of 95%. In summary, the available evidence is currently insufficient to determine the role of this variant in disease. Therefore, it has been classified as a Variant of Uncertain Significance.

NM_002941.4(ROBO1):c.2324C>T (p.Pro775Leu)

Gene: ROBO1 (roundabout guidance receptor 1; minus strand). Cytogenetic location: 3p12.3.
Variant type: single nucleotide variant.
Coding change: c.2324C>T on transcript NM_002941.4 (MANE Select); coding-DNA position 2324, C replaced by T.
Protein change: p.Pro775Leu; replaces proline 775 with leucine.
Molecular consequence: missense variant.
Genome position (GRCh38, 1-based): chr3:78,659,804, G>A on the plus strand (C>T on the coding strand, the complement: ROBO1 is on the minus strand). VCF-style: chr3-78659804-G-A. GRCh37 (hg19) VCF-style: chr3-78708954-G-A.
Other names: c.2216C>T, p.Pro739Leu (NM_001145844.1, NM_001145845.2, NM_133631.4); short protein forms P739L, P775L.
Identifiers: ClinVar variation 2842910 (VCV002842910.3), dbSNP rs1707270159, ClinGen allele CA353663205.